The following is an entry in ClinVar:

ClinVar aggregate classification (germline): Uncertain significance (1 of 4 stars; one submission).

gnomAD v4.1: 11 of 1,613,984 alleles (0.00068%); highest among the groups gnomAD compares: African/African-American, 0.0027%; no homozygotes.

Submission:

GeneDx
Classification: Uncertain significance. Last evaluated: 2025-01-08. Review status: criteria provided, single submitter. Criteria: GeneDx Variant Classification Process June 2021. Collection method: clinical testing. Allele origin: germline. Affected: yes.
Comment: Not observed at significant frequency in large population cohorts (gnomAD); In silico analysis supports that this missense variant has a deleterious effect on protein structure/function; Has not been previously published as pathogenic or benign to our knowledge

NM_001128225.3(SLC39A13):c.190C>T (p.Arg64Trp)

Gene: SLC39A13 (solute carrier family 39 member 13; plus strand). Cytogenetic location: 11p11.2.
Variant type: single nucleotide variant.
Coding change: c.190C>T on transcript NM_001128225.3 (MANE Select); coding-DNA position 190, C replaced by T.
Protein change: p.Arg64Trp; replaces arginine 64 with tryptophan.
Molecular consequence: missense variant. On other transcripts: non-coding transcript variant (1).
Genome position (GRCh38, 1-based): chr11:47,410,284, C>T. VCF-style: chr11-47410284-C-T. GRCh37 (hg19) VCF-style: chr11-47431835-C-T.
Other names: c.190C>T, p.Arg64Trp (NM_001330245.2, NM_152264.5); short protein forms R64W.
Identifiers: ClinVar variation 4056861 (VCV004056861.1).